The following is an entry in ClinVar:

ClinVar aggregate classification (germline): Uncertain significance. Review status: criteria provided, multiple submitters, no conflicts (2 of 4 stars). 2 submissions from 2 submitters: Uncertain significance (2). Last evaluated 2026-04-30.

Conditions:
Inborn genetic diseases. Identifiers: MedGen C0950123, MeSH D030342.

Allele frequency attached by ClinVar (database versions not stated): TOPMed 0.00001; gnomAD 0.00001.
gnomAD v4.1: 1 of 1,613,312 alleles (0.000062%); highest among the groups gnomAD compares: Admixed American, 0.0017%; no homozygotes.

Submissions (2):

Ambry Genetics
Classification: Uncertain significance for Inborn genetic diseases. Last evaluated: 2026-04-30. Review status: criteria provided, single submitter. Criteria: Ambry Variant Classification Scheme 2023. Collection method: clinical testing. Allele origin: germline.

Labcorp Genetics (formerly Invitae), Labcorp
Classification: Uncertain significance. Last evaluated: 2022-10-03. Review status: criteria provided, single submitter. Criteria: Invitae Variant Classification Sherloc (09022015). Collection method: clinical testing. Allele origin: germline.
Comment: In summary, the available evidence is currently insufficient to determine the role of this variant in disease. Therefore, it has been classified as a Variant of Uncertain Significance. Algorithms developed to predict the effect of missense changes on protein structure and function (SIFT, PolyPhen-2, Align-GVGD) all suggest that this variant is likely to be disruptive. This sequence change replaces cysteine, which is neutral and slightly polar, with phenylalanine, which is neutral and non-polar, at codon 639 of the TNNI3K protein (p.Cys639Phe). This variant is not present in population databases (gnomAD no frequency). This variant has not been reported in the literature in individuals affected with TNNI3K-related conditions.

NM_015978.3(TNNI3K):c.1916G>T (p.Cys639Phe)

Genes: FPGT-TNNI3K (FPGT-TNNI3K readthrough; plus strand), TNNI3K (TNNI3 interacting kinase; plus strand). Cytogenetic location: 1p31.1.
Variant type: single nucleotide variant.
Coding change: c.1916G>T on transcript NM_015978.3 (MANE Select); coding-DNA position 1916, G replaced by T.
Protein change: p.Cys639Phe; replaces cysteine 639 with phenylalanine.
Molecular consequence: missense variant.
Genome position (GRCh38, 1-based): chr1:74,439,527, G>T. VCF-style: chr1-74439527-G-T. GRCh37 (hg19) VCF-style: chr1-74905211-G-T.
Other names: c.1916G>T (NM_015978.2); c.2219G>T, p.Cys740Phe (NM_001112808.3, NM_001199327.2); short protein forms C740F, C639F.
Identifiers: ClinVar variation 1946088 (VCV001946088.6), dbSNP rs1185234949, ClinGen allele CA340789741.